The following is an entry in ClinVar:

ClinVar aggregate classification (germline): Pathogenic (1 of 4 stars; one submission).

Conditions:
Hereditary cancer-predisposing syndrome. Also called: Neoplastic Syndromes, Hereditary; Tumor predisposition; Hereditary Cancer Syndrome; Hereditary neoplastic syndrome. Identifiers: Orphanet 140162, MedGen C0027672, MeSH D009386, MONDO:0015356.

Submission:

Color Diagnostics, LLC DBA Color Health
Classification: Pathogenic for Hereditary cancer-predisposing syndrome. Last evaluated: 2020-01-15. Review status: criteria provided, single submitter. Criteria: ACMG Guidelines, 2015. Collection method: clinical testing. Allele origin: germline.
Comment: This variant deletes 7 nucleotides in exon 10 of the BARD1 gene, creating a frameshift and premature translation stop signal. This variant is expected to result in an absent or non-functional protein product. This variant has not been identified in the general population by the Genome Aggregation Database (gnomAD). Loss of BARD1 function is a known mechanism of disease. Based on the available evidence, this variant is classified as Pathogenic.

NM_000465.4(BARD1):c.1952_1958del (p.Tyr651fs)

Gene: BARD1 (BRCA1 associated RING domain 1; minus strand). Cytogenetic location: 2q35.
Variant type: Deletion.
Coding change: c.1952_1958del on transcript NM_000465.4 (MANE Select); coding-DNA positions 1952 to 1958, 7 bases deleted (ATGAAAT; older notation c.1952_1958delATGAAAT).
Protein change: p.Tyr651fs; shifts the reading frame from tyrosine 651.
Molecular consequence: frameshift variant. On other transcripts: non-coding transcript variant (3).
Genome position (GRCh38, 1-based): chr2:214,730,454-214,730,460, ATTTCAT deleted on the plus strand (ATGAAAT on the coding strand, the reverse complement: BARD1 is on the minus strand); deleting any 7 consecutive bases within chr2:214,730,454-214,730,461 gives the same sequence; the c. name uses the placement nearest the transcript's 3' end. VCF-style (leftmost placement, unchanged base first): chr2-214730453-AATTTCAT-A. GRCh37 (hg19) VCF-style: chr2-215595177-AATTTCAT-A.
Other names: c.1895_1901del, p.Tyr632fs (NM_001282543.2); c.599_605del, p.Tyr200fs (NM_001282545.2); c.542_548del, p.Tyr181fs (NM_001282548.2); c.413_419del, p.Tyr138fs (NM_001282549.2); short protein forms Y138fs, Y200fs, Y651fs, Y181fs, Y632fs.
Identifiers: ClinVar variation 920068 (VCV000920068.3), dbSNP rs1692301420, ClinGen allele CA913188019.
Genomic context (GRCh38, chr2:214,730,453, plus strand): 5'-GTATTAAAAGAAAAATACCAGCTGTTCTCTGTTGAGCCTGCTTCTGCGTGGACCTTCAGG[AATTTCAT>A]ACTTTTCTTCCTGTTCACATACTTTTCTTCGTAGACATGCTTTTACCCCTGACAAAAACA-3'